The following is an entry in ClinVar:

NM_000760.4(CSF3R):c.1456A>G (p.Thr486Ala)

Gene: CSF3R (colony stimulating factor 3 receptor; minus strand). Cytogenetic location: 1p34.3.
Variant type: single nucleotide variant.
Coding change: c.1456A>G on transcript NM_000760.4 (MANE Select); coding-DNA position 1456, A replaced by G.
Protein change: p.Thr486Ala; replaces threonine 486 with alanine.
Molecular consequence: missense variant.
Genome position (GRCh38, 1-based): chr1:36,469,670, T>C on the plus strand (A>G on the coding strand, the complement: CSF3R is on the minus strand). VCF-style: chr1-36469670-T-C. GRCh37 (hg19) VCF-style: chr1-36935271-T-C.
Other names: c.1456A>G, p.Thr486Ala (NM_156039.3, NM_172313.3); short protein forms T486A.
Identifiers: ClinVar variation 1163143 (VCV001163143.16), dbSNP rs767301627, ClinGen allele CA769190.
Genomic context (GRCh38, chr1:36,469,670, plus strand): 5'-CCTTTGTCCCTGGCCCTGCCCAACTTTCCAGGCCAGCCTCACCCTTCAGCAGAAACCCCG[T>C]GGCTCTCCCATTCTGTTCCATCCTCCAGGTCTTGTTGCTATTGCTCGCGCTGGGGGGGCC-3'
Protein context (NP_000751.1, residues 476-496): TWRMEQNGRA[Thr486Ala]GFLLKENIRP

ClinVar aggregate classification (germline): Uncertain significance. Review status: criteria provided, multiple submitters, no conflicts (2 of 4 stars). 3 submissions from 3 submitters: Uncertain significance (3). Last evaluated 2025-07-01.

Conditions:
Autosomal recessive severe congenital neutropenia due to CSF3R deficiency. Also called: Neutropenia, severe congenital, 7, autosomal recessive. Identifiers: Orphanet 420702, MedGen C4310764, MONDO:0014865, OMIM 617014.

Allele frequency attached by ClinVar (database versions not stated): gnomAD exomes below 0.00001 and 0.00001; gnomAD 0.00001; TOPMed 0.00001; ExAC 0.00002.
gnomAD v4.1: 8 of 1,614,034 alleles (0.0005%); highest among the groups gnomAD compares: Non-Finnish European, 0.00068%; no homozygotes.

Submissions (3):

CeGaT Center for Human Genetics Tuebingen
Classification: Uncertain significance. Last evaluated: 2025-07-01. Review status: criteria provided, single submitter. Criteria: CeGaT Center For Human Genetics Tuebingen Variant Classification Criteria Version 2. Collection method: clinical testing. Allele origin: germline. Affected: yes. Observed: 1 variant allele.
Comment: CSF3R: PM2, BP4

Labcorp Genetics (formerly Invitae), Labcorp
Classification: Uncertain significance for Autosomal recessive severe congenital neutropenia due to CSF3R deficiency. Last evaluated: 2025-01-06. Review status: criteria provided, single submitter. Criteria: Invitae Variant Classification Sherloc (09022015). Collection method: clinical testing. Allele origin: germline.
Comment: This sequence change replaces threonine, which is neutral and polar, with alanine, which is neutral and non-polar, at codon 486 of the CSF3R protein (p.Thr486Ala). This variant is present in population databases (rs767301627, gnomAD 0.002%). This variant has not been reported in the literature in individuals affected with CSF3R-related conditions. ClinVar contains an entry for this variant (Variation ID: 1163143). Invitae Evidence Modeling of protein sequence and biophysical properties (such as structural, functional, and spatial information, amino acid conservation, physicochemical variation, residue mobility, and thermodynamic stability) indicates that this missense variant is not expected to disrupt CSF3R protein function with a negative predictive value of 80%. In summary, the available evidence is currently insufficient to determine the role of this variant in disease. Therefore, it has been classified as a Variant of Uncertain Significance.

Mayo Clinic Laboratories, Mayo Clinic
Classification: Uncertain significance. Last evaluated: 2019-11-04. Review status: criteria provided, single submitter. Criteria: ACMG Guidelines, 2015. Collection method: clinical testing. Allele origin: germline. Observed: 1 variant allele.